The following is an entry in ClinVar:

NM_000441.2(SLC26A4):c.1288del (p.Ile430fs)

Gene: SLC26A4 (solute carrier family 26 member 4; plus strand). Cytogenetic location: 7q22.3.
Variant type: Deletion.
Coding change: c.1288del on transcript NM_000441.2 (MANE Select); coding-DNA position 1288, one base deleted (A; older notation c.1288delA).
Protein change: p.Ile430fs; shifts the reading frame from isoleucine 430.
Molecular consequence: frameshift variant.
Genome position (GRCh38, 1-based): chr7:107,694,427, A deleted. VCF-style (leftmost placement, unchanged base first): chr7-107694426-GA-G. GRCh37 (hg19) VCF-style: chr7-107334871-GA-G.
Other names: short protein forms I430fs.
Identifiers: ClinVar variation 3601719 (VCV003601719.1).
Genomic context (GRCh38, chr7:107,694,426, plus strand): 5'-GGACGAATCCTTTTCATAGGAGGTGTGTGTCTTCCAGGTTGCTGGCATCATCTCTGCTGC[GA>G]TTGTGATGATCGCCATTCTTGCCCTGGGGAAGCTTCTGGAACCCTTGCAGAAGGTATAAC-3'

ClinVar aggregate classification (germline): Likely pathogenic (1 of 4 stars; one submission).

Conditions:
Autosomal recessive nonsyndromic hearing loss 4 (DFNB4). Also called: Deafness, autosomal recessive 4; FOXI1-Related Pendred Syndrome; KCNJ10-Related Pendred Syndrome; DEAFNESS, AUTOSOMAL RECESSIVE 4, WITH ENLARGED VESTIBULAR AQUEDUCT, DIGENIC; NEUROSENSORY NONSYNDROMIC RECESSIVE DEAFNESS 4; Nonsyndromic enlarged vestibular aqueduct (NSEVA). Identifiers: Orphanet 90636, MedGen C3538946, MONDO:0010933, OMIM 600791.

Submission:

Institute of Rare Diseases, West China Hospital, Sichuan University
Classification: Likely pathogenic for Autosomal recessive nonsyndromic hearing loss 4. Last evaluated: 2025-01-09. Review status: criteria provided, single submitter. Criteria: ClinGen HL ACMG Specifications v1. Collection method: research. Allele origin: germline. Affected: yes.
Comment: PVS1;PM2_Supporting